The following is an entry in ClinVar:

ClinVar aggregate classification (germline): Pathogenic/Likely pathogenic. Review status: criteria provided, multiple submitters, no conflicts (2 of 4 stars). 4 submissions from 4 submitters: Pathogenic (3); Likely pathogenic (1). Last evaluated 2025-03-26.

Conditions:
Merosin deficient congenital muscular dystrophy (MDC1A). Also called: Congenital Muscular Dystrophy Type 1A (MDC1A); Congenital merosin-deficient muscular dystrophy 1A. Identifiers: Orphanet 258, MedGen C1263858, MONDO:0011925, OMIM 607855.
Muscular dystrophy, limb-girdle, autosomal recessive 23. Identifiers: Orphanet 565837, MedGen C4748327, MONDO:0029136, OMIM 618138.
LAMA2-related muscular dystrophy (LAMA2-RD). Also called: Laminin alpha 2-related dystrophy. Identifiers: MedGen C5679788, MONDO:0100228.

Submissions (4):

3billion
Classification: Pathogenic for Muscular dystrophy, limb-girdle, autosomal recessive 23. Last evaluated: 2025-03-26. Review status: criteria provided, single submitter. Criteria: ACMG Guidelines, 2015. Collection method: clinical testing. Allele origin: germline. Affected: yes.

Myriad Genetics, Inc.
Classification: Pathogenic for LAMA2-related muscular dystrophy. Last evaluated: 2024-05-08. Review status: criteria provided, single submitter. Criteria: Myriad Autosomal Dominant, Autosomal Recessive and X-Linked Classification Criteria (2023). Collection method: clinical testing. Allele origin: unknown.
Comment: NM_000426.3(LAMA2):c.5122G>T(E1708*) is expected to be pathogenic in the context of muscular dystrophy, LAMA2-related. This variant is predicted to lead to an abnormal or absent protein product due to the creation of a premature termination codon in LAMA2, a gene where loss-of-function variants are known to be pathogenic. Please note: this variant was assessed in the context of healthy population screening.

Baylor Genetics
Classification: Likely pathogenic for Merosin deficient congenital muscular dystrophy. Last evaluated: 2023-12-04. Review status: criteria provided, single submitter. Criteria: ACMG Guidelines, 2015. Collection method: clinical testing. Allele origin: unknown.

Genetics and Molecular Pathology, SA Pathology
Classification: Pathogenic for Muscular dystrophy, limb-girdle, autosomal recessive 23. Last evaluated: 2021-02-08. Review status: criteria provided, single submitter. Criteria: ACMG Guidelines, 2015. Collection method: clinical testing. Allele origin: germline. Affected: yes.

NM_000426.4(LAMA2):c.5122G>T (p.Glu1708Ter)

Gene: LAMA2 (laminin subunit alpha 2; plus strand). Cytogenetic location: 6q22.33.
Variant type: single nucleotide variant.
Coding change: c.5122G>T on transcript NM_000426.4 (MANE Select); coding-DNA position 5122, G replaced by T.
Protein change: p.Glu1708Ter; replaces glutamic acid 1708 with a stop codon.
Molecular consequence: nonsense.
Genome position (GRCh38, 1-based): chr6:129,391,541, G>T. VCF-style: chr6-129391541-G-T. GRCh37 (hg19) VCF-style: chr6-129712686-G-T.
Other names: c.5122G>T, p.Glu1708Ter (NM_001079823.2); short protein forms E1708*.
Identifiers: ClinVar variation 1803157 (VCV001803157.5), dbSNP rs1485209355, ClinGen allele CA365613995.